The following is an entry in ClinVar:

NM_001999.4(FBN2):c.5531T>C (p.Leu1844Pro)

Gene: FBN2 (fibrillin 2; minus strand). Cytogenetic location: 5q23.3.
Variant type: single nucleotide variant.
Coding change: c.5531T>C on transcript NM_001999.4 (MANE Select); coding-DNA position 5531, T replaced by C.
Protein change: p.Leu1844Pro; replaces leucine 1844 with proline.
Molecular consequence: missense variant.
Genome position (GRCh38, 1-based): chr5:128,305,840, A>G on the plus strand (T>C on the coding strand, the complement: FBN2 is on the minus strand). VCF-style: chr5-128305840-A-G. GRCh37 (hg19) VCF-style: chr5-127641532-A-G.
Other names: short protein forms L1844P.
Identifiers: ClinVar variation 263328 (VCV000263328.3), dbSNP rs755917639, ClinGen allele CA3394681.

ClinVar aggregate classification (germline): Uncertain significance (1 of 4 stars; one submission).

Conditions:
Cardiovascular phenotype. Identifiers: MedGen CN230736.

Allele frequency attached by ClinVar (database versions not stated): gnomAD exomes below 0.00001 and 0.00001; ExAC 0.00001.
gnomAD v4.1: 9 of 1,614,054 alleles (0.00056%); highest among the groups gnomAD compares: South Asian, 0.0011%; no homozygotes.

Submission:

Ambry Genetics
Classification: Uncertain significance for Cardiovascular phenotype. Last evaluated: 2014-11-20. Review status: criteria provided, single submitter. Criteria: Ambry Autosomal Dominant and X-Linked criteria (10/2015). Collection method: clinical testing. Allele origin: germline. Observed: 1 variant allele.
Comment: There is insufficient or conflicting evidence for classification of this alteration.